The following is an entry in ClinVar:

NM_000096.4(CP):c.2617G>A (p.Ala873Thr)

Gene: CP (ceruloplasmin; minus strand). Cytogenetic location: 3q24.
Variant type: single nucleotide variant.
Coding change: c.2617G>A on transcript NM_000096.4 (MANE Select); coding-DNA position 2617, G replaced by A.
Protein change: p.Ala873Thr; replaces alanine 873 with threonine.
Molecular consequence: missense variant. On other transcripts: non-coding transcript variant (1).
Genome position (GRCh38, 1-based): chr3:149,179,600, C>T on the plus strand (G>A on the coding strand, the complement: CP is on the minus strand). VCF-style: chr3-149179600-C-T. GRCh37 (hg19) VCF-style: chr3-148897387-C-T.
Other names: short protein forms A873T.
Identifiers: ClinVar variation 1418564 (VCV001418564.6), dbSNP rs1472131747, ClinGen allele CA354930018.

ClinVar aggregate classification (germline): Uncertain significance (1 of 4 stars; one submission).

Conditions:
Deficiency of ferroxidase (ACEP). Also called: Aceruloplasminemia; NEURODEGENERATION WITH BRAIN IRON ACCUMULATION 10; Ceruloplasmin deficiency; Familial apoceruloplasmin deficiency; Hereditary ceruloplasmin deficiency; Deficiency of ceruloplasmin. Identifiers: Orphanet 48818, MedGen C0878682, MONDO:0011426, OMIM 604290, HP:0025498.

Allele frequency attached by ClinVar (database versions not stated): gnomAD exomes below 0.00001.
gnomAD v4.1: 1 of 1,613,882 alleles (0.000062%); highest among the groups gnomAD compares: Admixed American, 0.0017%; no homozygotes.

Submission:

Labcorp Genetics (formerly Invitae), Labcorp
Classification: Uncertain significance for Deficiency of ferroxidase. Last evaluated: 2024-02-23. Review status: criteria provided, single submitter. Criteria: Invitae Variant Classification Sherloc (09022015). Collection method: clinical testing. Allele origin: germline.
Comment: This sequence change replaces alanine, which is neutral and non-polar, with threonine, which is neutral and polar, at codon 873 of the CP protein (p.Ala873Thr). This variant is present in population databases (no rsID available, gnomAD 0.003%). This variant has not been reported in the literature in individuals affected with CP-related conditions. ClinVar contains an entry for this variant (Variation ID: 1418564). Advanced modeling of protein sequence and biophysical properties (such as structural, functional, and spatial information, amino acid conservation, physicochemical variation, residue mobility, and thermodynamic stability) performed at Invitae indicates that this missense variant is not expected to disrupt CP protein function with a negative predictive value of 80%. In summary, the available evidence is currently insufficient to determine the role of this variant in disease. Therefore, it has been classified as a Variant of Uncertain Significance.